The following is an entry in ClinVar:

NM_003718.5(CDK13):c.1066C>G (p.Pro356Ala)

Gene: CDK13 (cyclin dependent kinase 13; plus strand). Cytogenetic location: 7p14.1.
Variant type: single nucleotide variant.
Coding change: c.1066C>G on transcript NM_003718.5 (MANE Select); coding-DNA position 1066, C replaced by G.
Protein change: p.Pro356Ala; replaces proline 356 with alanine.
Molecular consequence: missense variant.
Genome position (GRCh38, 1-based): chr7:39,951,707, C>G. VCF-style: chr7-39951707-C-G. GRCh37 (hg19) VCF-style: chr7-39991306-C-G.
Other names: c.1066C>G, p.Pro356Ala (NM_031267.4); short protein forms P356A.
Identifiers: ClinVar variation 446011 (VCV000446011.37), dbSNP rs17537669, ClinGen allele CA4228397.

ClinVar aggregate classification (germline): Benign/Likely benign. Review status: criteria provided, multiple submitters, no conflicts (2 of 4 stars). 6 submissions from 6 submitters: Benign (2); Likely benign (3). 1 of the submissions does not count toward it. Last evaluated 2026-09-01.

Conditions:
CDK13-related disorder. Also called: CDK13-related condition. Identifiers: MedGen C5816700.

Allele frequency attached by ClinVar (database versions not stated): gnomAD 0.00258 and 0.00256; TOPMed 0.00290; gnomAD exomes 0.00350 and 0.00246; ExAC 0.00441; 1000 Genomes Project 30x 0.00094; 1000 Genomes Project 0.00100; ESP Exome Variant Server 0.00217.
gnomAD v4.1: 4,958 of 1,471,084 alleles (0.34%); highest among the groups gnomAD compares: Non-Finnish European, 0.41%; 15 homozygotes.

Submissions (6):

CeGaT Center for Human Genetics Tuebingen
Classification: Benign. Last evaluated: 2026-09-01. Review status: criteria provided, single submitter. Criteria: CeGaT Center For Human Genetics Tuebingen Variant Classification Criteria Version 2. Collection method: clinical testing. Allele origin: germline. Affected: yes. Observed: 19 variant alleles.
Comment: CDK13: BS1, BS2

Labcorp Genetics (formerly Invitae), Labcorp
Classification: Benign. Last evaluated: 2026-01-24. Review status: criteria provided, single submitter. Criteria: Invitae Variant Classification Sherloc (09022015). Collection method: clinical testing. Allele origin: germline.

Blueprint Genetics
Classification: Likely benign. Last evaluated: 2024-11-13. Review status: criteria provided, single submitter. Criteria: ACMG Guidelines, 2015. Collection method: clinical testing. Allele origin: germline.

Center for Pediatric Genomic Medicine, Children's Mercy Hospital and Clinics
Classification: Likely benign. Last evaluated: 2017-05-19. Review status: criteria provided, single submitter. Criteria: ACMG Guidelines, 2015. Collection method: clinical testing. Allele origin: germline.

Breakthrough Genomics
Classification: Likely benign. Review status: criteria provided, single submitter. Criteria: ACMG Guidelines, 2015. Collection method: not provided. Allele origin: germline. Inheritance: Autosomal dominant inheritance. Affected: yes.

PreventionGenetics, part of Exact Sciences
Classification: Likely benign for CDK13-related condition. Last evaluated: 2019-11-20. Review status: no assertion criteria provided. Collection method: clinical testing. Allele origin: germline. Not counted in ClinVar's aggregate classification.
Comment: This variant is classified as likely benign based on ACMG/AMP sequence variant interpretation guidelines (Richards et al. 2015 PMID: 25741868, with internal and published modifications).